The following is an entry in ClinVar:

NM_001378454.1(ALMS1):c.11877_11878del (p.Ser3960fs)

Genes: ALMS1 (ALMS1 centrosome and basal body associated protein; plus strand), LOC126806252 (BRD4-independent group 4 enhancer GRCh37_chr2:73828496-73829695; plus strand). Cytogenetic location: 2p13.1.
Variant type: Deletion.
Coding change: c.11877_11878del on transcript NM_001378454.1 (MANE Select); coding-DNA positions 11877 to 11878, 2 bases deleted (TT; older notation c.11877_11878delTT).
Protein change: p.Ser3960fs; shifts the reading frame from serine 3960.
Molecular consequence: frameshift variant.
Genome position (GRCh38, 1-based): chr2:73,601,199-73,601,200, TT deleted; deleting any 2 consecutive bases within chr2:73,601,198-73,601,200 gives the same sequence; the c. name uses the placement nearest the transcript's 3' end. VCF-style (leftmost placement, unchanged base first): chr2-73601197-GTT-G. GRCh37 (hg19) VCF-style: chr2-73828324-GTT-G.
Other names: c.11880_11881delTT (NM_015120.4); c.11880_11881del, p.Ser3961fs (NM_015120.4); short protein forms S3960fs, S3961fs.
Identifiers: ClinVar variation 1073768 (VCV001073768.13), dbSNP rs758732551, ClinGen allele CA1715366.

ClinVar aggregate classification (germline): Pathogenic. Review status: criteria provided, multiple submitters, no conflicts (2 of 4 stars). 3 submissions from 3 submitters: Pathogenic (3). Last evaluated 2025-06-20.

Conditions:
Alstrom syndrome (ALMS). Identifiers: Orphanet 64, MedGen C0268425, MONDO:0008763, OMIM 203800.

Submissions (3):

Natera, Inc.
Classification: Pathogenic for Alstrom syndrome. Last evaluated: 2025-06-20. Review status: criteria provided, single submitter. Criteria: Natera Variant Classification Schema (03/2026). Collection method: clinical testing. Allele origin: germline.
Comment: The c.11880_11881delTT variant in ALMS1 is a frameshift variant predicted to shift the reading frame beginning at codon 3961 and leads to a stop codon 11 codons downstream. This variant is expected to result in nonsense mediated decay, truncation, or a dysfunctional protein product. This variant is rare in the general population with a frequency below the threshold expected for the associated phenotype(s). This variant has been observed in one or more individuals affected with the associated recessive disease, as either homozygous or compound heterozygous with a second variant (PMID: 26283575). Given the available evidence, this variant is classified as Pathogenic.

Labcorp Genetics (formerly Invitae), Labcorp
Classification: Pathogenic for Alstrom syndrome. Last evaluated: 2025-02-10. Review status: criteria provided, single submitter. Criteria: Invitae Variant Classification Sherloc (09022015). Collection method: clinical testing. Allele origin: germline.
Comment: This sequence change creates a premature translational stop signal (p.Ser3961Leufs*11) in the ALMS1 gene. It is expected to result in an absent or disrupted protein product. Loss-of-function variants in ALMS1 are known to be pathogenic (PMID: 17594715). This variant is present in population databases (rs758732551, gnomAD 0.0009%). This premature translational stop signal has been observed in individual(s) with Alström syndrome (PMID: 26283575). In at least one individual the data is consistent with being in trans (on the opposite chromosome) from a pathogenic variant. It has also been observed to segregate with disease in related individuals. This variant is also known as c.11881_11882delTT (p.Val3959Leufs*11). ClinVar contains an entry for this variant (Variation ID: 1073768). For these reasons, this variant has been classified as Pathogenic.

GeneDx
Classification: Pathogenic. Last evaluated: 2023-04-29. Review status: criteria provided, single submitter. Criteria: GeneDx Variant Classification Process June 2021. Collection method: clinical testing. Allele origin: germline. Affected: yes.
Comment: Frameshift variant predicted to result in protein truncation or nonsense mediated decay in a gene for which loss of function is a known mechanism of disease; Not observed at significant frequency in large population cohorts (gnomAD); This variant is associated with the following publications: (PMID: 26283575)

Literature cited by the submitters: PubMed 26283575 (cited by Natera, Inc. and Labcorp Genetics (formerly Invitae), Labcorp); PubMed 17594715 (cited by Labcorp Genetics (formerly Invitae), Labcorp).